The following is an entry in ClinVar:

NC_000023.10:g.(?_107819140)_(107819202_?)del

Gene: COL4A5 (collagen type IV alpha 5 chain; plus strand). Cytogenetic location: Xq22.3.
Variant type: Deletion.
Identifiers: ClinVar variation 1039808 (VCV001039808.1).

ClinVar aggregate classification (germline): Uncertain significance (1 of 4 stars; one submission).

Submission:

Labcorp Genetics (formerly Invitae), Labcorp
Classification: Uncertain significance. Last evaluated: 2020-03-17. Review status: criteria provided, single submitter. Criteria: Invitae Variant Classification Sherloc (09022015). Collection method: clinical testing. Allele origin: germline.
Comment: This variant is an in-frame deletion of the genomic region encompassing exon 10 of the COL4A5 gene. It preserves the integrity of the reading frame. This variant has not been reported in the literature in individuals with COL4A5-related conditions. In summary, the available evidence is currently insufficient to determine the role of this variant in disease. Therefore, it has been classified as a Variant of Uncertain Significance.